The following is an entry in ClinVar:

NM_004006.3(DMD):c.8896CTC[1] (p.Leu2967del)

Gene: DMD (dystrophin; minus strand). Cytogenetic location: Xp21.2.
Variant type: Microsatellite.
Coding change: c.8896CTC[1] on transcript NM_004006.3 (MANE Select); one copy of the 3-base unit CTC starting at c.8896; the reference has two copies in a row; one copy, 3 bases deleted.
Protein change: p.Leu2967del; deletes leucine 2967.
Molecular consequence: inframe deletion.
Genome position (GRCh38, 1-based): chrX:31,478,142-31,478,144, GAG deleted on the plus strand (CTC on the coding strand, the reverse complement: DMD is on the minus strand); deleting any 3 consecutive bases within chrX:31,478,142-31,478,147 gives the same sequence; the position shown is the placement nearest the transcript's 3' end. VCF-style (leftmost placement, unchanged base first): chrX-31478141-TGAG-T. GRCh37 (hg19) VCF-style: chrX-31496258-TGAG-T.
Other names: c.8872CTC[1], p.Leu2959del (NM_000109.4); c.8884CTC[1], p.Leu2963del (NM_004009.3); c.8527CTC[1], p.Leu2844del (NM_004010.3); c.4873CTC[1], p.Leu1626del (NM_004011.4); c.4864CTC[1], p.Leu1623del (NM_004012.4); c.1516CTC[1], p.Leu507del (NM_004013.3, NM_004020.4, NM_004021.3 and 2 more transcripts); c.709CTC[1], p.Leu238del (NM_004014.3); short protein forms L2844del, L2967del, L1623del, L238del, L2959del, L2963del, L507del, L1626del.
Identifiers: ClinVar variation 1397962 (VCV001397962.3), dbSNP rs2149252655, ClinGen allele CA2580616925.

ClinVar aggregate classification (germline): Uncertain significance (1 of 4 stars; one submission).

Conditions:
Duchenne muscular dystrophy (DMD). Also called: MUSCULAR DYSTROPHY, PSEUDOHYPERTROPHIC PROGRESSIVE, DUCHENNE TYPE; Duchenne Muscular Dystrophy (DMD). Identifiers: Orphanet 98896, MedGen C0013264, MONDO:0010679, OMIM 310200.

Submission:

Labcorp Genetics (formerly Invitae), Labcorp
Classification: Uncertain significance for Duchenne muscular dystrophy. Last evaluated: 2022-08-23. Review status: criteria provided, single submitter. Criteria: Invitae Variant Classification Sherloc (09022015). Collection method: clinical testing. Allele origin: germline.
Comment: This variant, c.8899_8901del, results in the deletion of 1 amino acid(s) of the DMD protein (p.Leu2967del), but otherwise preserves the integrity of the reading frame. This variant is not present in population databases (gnomAD no frequency). This variant has not been reported in the literature in individuals affected with DMD-related conditions. Experimental studies and prediction algorithms are not available or were not evaluated, and the functional significance of this variant is currently unknown. In summary, the available evidence is currently insufficient to determine the role of this variant in disease. Therefore, it has been classified as a Variant of Uncertain Significance.